The following is an entry in ClinVar:

NC_000002.12:g.230221724C>A

Genes: SP110 (SP110 nuclear body protein; minus strand), SP140 (SP140 nuclear body protein; plus strand). Cytogenetic location: 2q37.1.
Variant type: single nucleotide variant.
Molecular consequence: 5 prime UTR variant (on NM_001185015.2).
Genome position: GRCh38 VCF-style: chr2-230221724-C-A. GRCh37 (hg19) VCF-style: chr2-231086439-C-A.
Other names: c.-3G>T (NM_001185015.2, NM_001378442.1, NM_001378444.1 and 2 more transcripts).
Identifiers: ClinVar variation 3044867 (VCV003044867.2), dbSNP rs780243875, ClinGen allele CA66728701.

ClinVar aggregate classification (germline): Likely benign (0 of 4 stars; one submission).

Conditions:
SP110-related disorder. Also called: SP110-related condition.

Allele frequency attached by ClinVar (database versions not stated): TOPMed 0.00001; gnomAD 0.00001; gnomAD exomes 0.00004.
gnomAD v4.1: 55 of 1,535,932 alleles (0.0036%); highest among the groups gnomAD compares: Non-Finnish European, 0.0048%; no homozygotes.

Submission:

PreventionGenetics, part of Exact Sciences
Classification: Likely benign for SP110-related condition. Last evaluated: 2019-06-06. Review status: no assertion criteria provided. Collection method: clinical testing. Allele origin: germline.
Comment: This variant is classified as likely benign based on ACMG/AMP sequence variant interpretation guidelines (Richards et al. 2015 PMID: 25741868, with internal and published modifications).